The following is an entry in ClinVar:

ClinVar aggregate classification (germline): Likely benign (1 of 4 stars; one submission).

Conditions:
GLI2-related disorder. Also called: GLI2-related condition; GLI2-related disorders.

gnomAD v4.1: 2 of 1,287,140 alleles (0.00016%); highest among the groups gnomAD compares: East Asian, 0.0079%; no homozygotes.

Submission:

PreventionGenetics, part of Exact Sciences
Classification: Likely benign for GLI2-related condition. Last evaluated: 2025-06-01. Review status: criteria provided, single submitter. Criteria: ACMG Guidelines, 2015. Collection method: clinical testing. Allele origin: germline.
Comment: This variant is classified as likely benign based on ACMG/AMP sequence variant interpretation guidelines (Richards et al. 2015 PMID: 25741868, with internal and published modifications).

NM_001374353.1(GLI2):c.2802G>A (p.Ala934=)

Gene: GLI2 (GLI family zinc finger 2; plus strand). Cytogenetic location: 2q14.2.
Variant type: single nucleotide variant.
Coding change: c.2802G>A on transcript NM_001374353.1 (MANE Select); coding-DNA position 2802, G replaced by A.
Protein change: p.Ala934=; no amino-acid change (alanine 934 retained).
Molecular consequence: synonymous variant.
Genome position (GRCh38, 1-based): chr2:120,988,767, G>A. VCF-style: chr2-120988767-G-A. GRCh37 (hg19) VCF-style: chr2-121746343-G-A.
Other names: c.2853G>A, p.Ala951= (NM_001371271.1, NM_005270.5); c.2427G>A, p.Ala809= (NM_001374354.1).
Identifiers: ClinVar variation 4987422 (VCV004987422.1).
Genomic context (GRCh38, chr2:120,988,767, plus strand): 5'-CCCACGCCCACTGGGGCCGCGGCGTGGCAGCGACGGGCCGACCTATGGCCACGGCCACGC[G>A]GGGGCTGCGCCCGCCTTCCCCCACGAGGCTCCAGGCGGCGGAGCCAGGCGGGCCAGCGAC-3'
Protein context (NP_001361282.1, residues 924-944): SDGPTYGHGH[Ala934=]GAAPAFPHEA